The following is an entry in ClinVar:

NM_001172303.3(MASTL):c.2619T>C (p.Thr873=)

Genes: MASTL (microtubule associated serine/threonine kinase like; plus strand), ACBD5 (acyl-CoA binding domain containing 5; minus strand). Cytogenetic location: 10p12.1.
Variant type: single nucleotide variant.
Coding change: c.2619T>C on transcript NM_001172303.3 (MANE Select); coding-DNA position 2619, T replaced by C.
Protein change: p.Thr873=; no amino-acid change (threonine 873 retained).
Molecular consequence: synonymous variant. On other transcripts: non-coding transcript variant (1), intron variant (1).
Genome position (GRCh38, 1-based): chr10:27,186,515, T>C. VCF-style: chr10-27186515-T-C. GRCh37 (hg19) VCF-style: chr10-27475444-T-C.
Other names: p.Thr872=; c.2502T>C, p.Thr834= (NM_001172304.3); c.2631T>C, p.Thr877= (NM_001320756.2); c.2634T>C, p.Thr878= (NM_001320757.2); c.2151T>C, p.Thr717= (NM_001372029.1); c.2136T>C, p.Thr712= (NM_001372030.1); c.2616T>C, p.Thr872= (NM_032844.5); c.1566-2200A>G (NM_001352570.1).
Identifiers: ClinVar variation 262122 (VCV000262122.10), dbSNP rs10741130, ClinGen allele CA5450487.

ClinVar aggregate classification (germline): Benign/Likely benign. Review status: criteria provided, multiple submitters, no conflicts (2 of 4 stars). 5 submissions from 5 submitters: Benign (4); Likely benign (1). Last evaluated 2024-11-27.

Conditions:
Thrombocytopenia. Identifiers: MedGen C0040034, MeSH D013921, MONDO:0002049, HP:0001873.

Allele frequency attached by ClinVar (database versions not stated): gnomAD 0.60806 and 0.61478; gnomAD exomes 0.59602; TOPMed 0.59952; 1000 Genomes Project 0.51098; 1000 Genomes Project 30x 0.51796; ExAC 0.59710; ESP Exome Variant Server 0.62548.
gnomAD v4.1: 1,015,612 of 1,612,818 alleles (63%); highest among the groups gnomAD compares: Non-Finnish European, 66%; 323,280 homozygotes.

Submissions (5):

Blueprint Genetics
Classification: Likely benign. Last evaluated: 2024-11-27. Review status: criteria provided, single submitter. Criteria: ACMG Guidelines, 2015. Collection method: clinical testing. Allele origin: germline.

Mayo Clinic Laboratories, Mayo Clinic
Classification: Benign. Last evaluated: 2022-09-29. Review status: criteria provided, single submitter. Criteria: ACMG Guidelines, 2015. Collection method: clinical testing. Allele origin: germline. Observed: 1,076 variant alleles.

Illumina Laboratory Services, Illumina
Classification: Benign for Thrombocytopenia. Last evaluated: 2018-01-13. Review status: criteria provided, single submitter. Criteria: ICSL Variant Classification Criteria 13 December 2019. Collection method: clinical testing. Allele origin: germline.
Comment: This variant was observed in the ICSL laboratory as part of a predisposition screen in an ostensibly healthy population. It had not been previously curated by ICSL or reported in the Human Gene Mutation Database (HGMD: prior to June 1st, 2018), and was therefore a candidate for classification through an automated scoring system. Utilizing variant allele frequency, disease prevalence and penetrance estimates, and inheritance mode, an automated score was calculated to assess if this variant is too frequent to cause the disease. Based on the score and internal cut-off values, a variant classified as benign is not then subjected to further curation. The score for this variant resulted in a classification of benign for this disease.

Breakthrough Genomics
Classification: Benign. Review status: criteria provided, single submitter. Criteria: ACMG Guidelines, 2015. Collection method: not provided. Allele origin: germline. Inheritance: Unknown mechanism. Affected: yes.

PreventionGenetics, part of Exact Sciences
Classification: Benign. Review status: criteria provided, single submitter. Criteria: ACMG Guidelines, 2015. Collection method: clinical testing. Allele origin: germline.